The following is an entry in ClinVar:

NM_000036.3(AMPD1):c.104G>T (p.Arg35Leu)

Gene: AMPD1 (adenosine monophosphate deaminase 1; minus strand). Cytogenetic location: 1p13.2.
Variant type: single nucleotide variant.
Coding change: c.104G>T on transcript NM_000036.3 (MANE Select); coding-DNA position 104, G replaced by T.
Protein change: p.Arg35Leu; replaces arginine 35 with leucine.
Molecular consequence: missense variant.
Genome position (GRCh38, 1-based): chr1:114,688,672, C>A on the plus strand (G>T on the coding strand, the complement: AMPD1 is on the minus strand). VCF-style: chr1-114688672-C-A. GRCh37 (hg19) VCF-style: chr1-115231293-C-A.
Other names: c.92G>T, p.Arg31Leu (NM_001172626.2); short protein forms R35L, R31L.
Identifiers: ClinVar variation 1358806 (VCV001358806.5), dbSNP rs147972392, ClinGen allele CA1020558.
Genomic context (GRCh38, chr1:114,688,672, plus strand): 5'-TGCATCTCATGATGAGAAATCGGACAGATCTCATCCACATCAAAGGGGGAAATCTCCTGA[C>A]GACCTCCTTCATCTTTGACTTCAGAGGCAAACACTTTTTCAGCAAAGTTGCGCATTGCAT-3'
Protein context (NP_000027.3, residues 25-45): FASEVKDEGG[Arg35Leu]QEISPFDVDE

ClinVar aggregate classification (germline): Uncertain significance (1 of 4 stars; one submission).

Conditions:
Muscle AMP deaminase deficiency (MMDD). Also called: Myoadenylate deaminase deficiency, myopathy due to; Adenosine monophosphate deaminase 1 deficiency; AMP deaminase 1 deficiency; Adenosine Monophosphate Deaminase 1; ADENOSINE MONOPHOSPHATE DEAMINASE-1 DEFICIENCY, MYOPATHY DUE TO; AMPD1 DEFICIENCY. Identifiers: Orphanet 45, MedGen C3714933, MONDO:0014220, OMIM 615511.

Allele frequency attached by ClinVar (database versions not stated): ESP Exome Variant Server 0.00008.
gnomAD v4.1: 98 of 1,614,062 alleles (0.0061%); highest among the groups gnomAD compares: Admixed American, 0.012%; no homozygotes.

Submission:

Labcorp Genetics (formerly Invitae), Labcorp
Classification: Uncertain significance for Muscle AMP deaminase deficiency. Last evaluated: 2022-08-22. Review status: criteria provided, single submitter. Criteria: Invitae Variant Classification Sherloc (09022015). Collection method: clinical testing. Allele origin: germline.
Comment: This sequence change replaces arginine, which is basic and polar, with leucine, which is neutral and non-polar, at codon 68 of the AMPD1 protein (p.Arg68Leu). This variant is present in population databases (rs147972392, gnomAD 0.01%). This variant has not been reported in the literature in individuals affected with AMPD1-related conditions. ClinVar contains an entry for this variant (Variation ID: 1358806). Algorithms developed to predict the effect of missense changes on protein structure and function are either unavailable or do not agree on the potential impact of this missense change (SIFT: "Tolerated"; PolyPhen-2: "Possibly Damaging"; Align-GVGD: "Class C0"). In summary, the available evidence is currently insufficient to determine the role of this variant in disease. Therefore, it has been classified as a Variant of Uncertain Significance.